The following is an entry in ClinVar:

NM_018060.4(IARS2):c.1096C>T (p.His366Tyr)

Gene: IARS2 (isoleucyl-tRNA synthetase 2, mitochondrial; plus strand). Cytogenetic location: 1q41.
Variant type: single nucleotide variant.
Coding change: c.1096C>T on transcript NM_018060.4 (MANE Select); coding-DNA position 1096, C replaced by T.
Protein change: p.His366Tyr; replaces histidine 366 with tyrosine.
Molecular consequence: missense variant.
Genome position (GRCh38, 1-based): chr1:220,105,920, C>T. VCF-style: chr1-220105920-C-T. GRCh37 (hg19) VCF-style: chr1-220279262-C-T.
Other names: short protein forms H366Y.
Identifiers: ClinVar variation 2878427 (VCV002878427.3), dbSNP rs2528509069, ClinGen allele CA344629813.

ClinVar aggregate classification (germline): Uncertain significance (1 of 4 stars; one submission).

Submission:

Labcorp Genetics (formerly Invitae), Labcorp
Classification: Uncertain significance. Last evaluated: 2023-12-18. Review status: criteria provided, single submitter. Criteria: Invitae Variant Classification Sherloc (09022015). Collection method: clinical testing. Allele origin: germline.
Comment: This sequence change replaces histidine, which is basic and polar, with tyrosine, which is neutral and polar, at codon 366 of the IARS2 protein (p.His366Tyr). This variant is not present in population databases (gnomAD no frequency). This variant has not been reported in the literature in individuals affected with IARS2-related conditions. An algorithm developed to predict the effect of missense changes on protein structure and function (PolyPhen-2) suggests that this variant is likely to be disruptive. In summary, the available evidence is currently insufficient to determine the role of this variant in disease. Therefore, it has been classified as a Variant of Uncertain Significance.